The following is an entry in ClinVar:

NM_003322.6(TULP1):c.152_302del151 (p.Cys53fs)

Gene: TULP1 (TUB like protein 1; minus strand). Cytogenetic location: 6p21.31.
Variant type: Deletion.
Coding change: c.152_302del151 on transcript NM_003322.6 (MANE Select); coding-DNA positions 152 to 302, 151 bases deleted.
Protein change: p.Cys53fs; shifts the reading frame from cysteine 53.
Molecular consequence: frameshift variant, splice acceptor variant, splice donor variant.
Genome position: GRCh38: chr6:35,511,695-35,512,218. GRCh37 (hg19): chr6:35,479,472-35,479,995.
Other names: c.157_190+490del (NM_001289395.2); short protein forms C53fs.
Identifiers: ClinVar variation 2062606 (VCV002062606.4), ClinGen allele CA2580074426.

ClinVar aggregate classification (germline): Pathogenic (1 of 4 stars; one submission).

Submission:

Labcorp Genetics (formerly Invitae), Labcorp
Classification: Pathogenic. Last evaluated: 2021-12-27. Review status: criteria provided, single submitter. Criteria: Invitae Variant Classification Sherloc (09022015). Collection method: clinical testing. Allele origin: germline.
Comment: For these reasons, this variant has been classified as Pathogenic. This variant has not been reported in the literature in individuals affected with TULP1-related conditions. The frequency data for this variant in the population databases is considered unreliable, as metrics indicate insufficient coverage at this position in the gnomAD database. This variant results in the deletion of part of exons 3 and 4 (c.157_307del) of the TULP1 gene. This deletion is out-of-frame, and is expected to create a premature termination codon and result in an absent or disrupted protein product. Loss-of-function variants in TULP1 are known to be pathogenic (PMID: 8606774, 10549638, 15024725, 18055821).

Literature cited by the submitters: PubMed 8606774; PubMed 10549638; PubMed 15024725; PubMed 18055821.